The following is an entry in ClinVar:

ClinVar aggregate classification (germline): Benign/Likely benign. Review status: criteria provided, multiple submitters, no conflicts (2 of 4 stars). 9 submissions from 9 submitters: Benign (2); Likely benign (7). Last evaluated 2025-11-10.

Conditions:
Hereditary cancer-predisposing syndrome. Also called: Tumor predisposition; Hereditary Cancer Syndrome; Neoplastic Syndromes, Hereditary; Hereditary neoplastic syndrome. Identifiers: Orphanet 140162, MedGen C0027672, MeSH D009386, MONDO:0015356.
Haddad syndrome (OHD). Also called: Ondine-Hirschsprung disease. Identifiers: Orphanet 99803, MedGen C1859049, MONDO:0020493.

Allele frequency attached by ClinVar (database versions not stated): ExAC 0.00007; gnomAD exomes 0.00014 and 0.00053; 1000 Genomes Project 30x 0.00109; 1000 Genomes Project 0.00120; TOPMed 0.00131; gnomAD 0.00140 and 0.00145.
gnomAD v4.1: 410 of 1,610,908 alleles (0.025%); highest among the groups gnomAD compares: Admixed American, 0.66%; 8 homozygotes.

Submissions (9):

Labcorp Genetics (formerly Invitae), Labcorp
Classification: Benign for Haddad syndrome. Last evaluated: 2025-11-10. Review status: criteria provided, single submitter. Criteria: Invitae Variant Classification Sherloc (09022015). Collection method: clinical testing. Allele origin: germline.

CeGaT Center for Human Genetics Tuebingen
Classification: Likely benign. Last evaluated: 2025-04-01. Review status: criteria provided, single submitter. Criteria: CeGaT Center For Human Genetics Tuebingen Variant Classification Criteria Version 2. Collection method: clinical testing. Allele origin: germline. Affected: yes. Observed: 2 variant alleles.
Comment: PHOX2B: BP4, BP7, BS1

Blueprint Genetics
Classification: Likely benign. Last evaluated: 2023-11-28. Review status: criteria provided, single submitter. Criteria: ACMG Guidelines, 2015. Collection method: clinical testing. Allele origin: germline.

Women's Health and Genetics/Laboratory Corporation of America, LabCorp
Classification: Benign. Last evaluated: 2023-10-18. Review status: criteria provided, single submitter. Criteria: LabCorp Variant Classification Summary - May 2015. Collection method: clinical testing. Allele origin: germline.

Sema4
Classification: Likely benign for Hereditary cancer-predisposing syndrome. Last evaluated: 2021-01-07. Review status: criteria provided, single submitter. Criteria: Sema4 Curation Guidelines. Collection method: curation. Allele origin: germline.

ARUP Laboratories, Molecular Genetics and Genomics, ARUP Laboratories
Classification: Likely benign. Last evaluated: 2020-06-19. Review status: criteria provided, single submitter. Criteria: ARUP Molecular Germline Variant Investigation Process. Collection method: clinical testing. Allele origin: germline.

Ambry Genetics
Classification: Likely benign for Hereditary cancer-predisposing syndrome. Last evaluated: 2017-08-30. Review status: criteria provided, single submitter. Criteria: Ambry Variant Classification Scheme 2023. Collection method: clinical testing. Allele origin: germline.

Breakthrough Genomics
Classification: Likely benign. Review status: criteria provided, single submitter. Criteria: ACMG Guidelines, 2015. Collection method: not provided. Allele origin: germline. Inheritance: Autosomal dominant inheritance. Affected: yes.

PreventionGenetics, part of Exact Sciences
Classification: Likely benign. Review status: criteria provided, single submitter. Criteria: ACMG Guidelines, 2015. Collection method: clinical testing. Allele origin: germline.

NM_003924.4(PHOX2B):c.288C>G (p.Arg96=)

Gene: PHOX2B (paired like homeobox 2B; minus strand). Cytogenetic location: 4p13.
Variant type: single nucleotide variant.
Coding change: c.288C>G on transcript NM_003924.4 (MANE Select); coding-DNA position 288, C replaced by G.
Protein change: p.Arg96=; no amino-acid change (arginine 96 retained).
Molecular consequence: synonymous variant.
Genome position (GRCh38, 1-based): chr4:41,747,490, G>C on the plus strand (C>G on the coding strand, the complement: PHOX2B is on the minus strand). VCF-style: chr4-41747490-G-C. GRCh37 (hg19) VCF-style: chr4-41749507-G-C.
Identifiers: ClinVar variation 259202 (VCV000259202.40), dbSNP rs201892150, ClinGen allele CA2901535.